The following is an entry in ClinVar:

ClinVar aggregate classification (germline): Uncertain significance. Review status: criteria provided, multiple submitters, no conflicts (2 of 4 stars). 2 submissions from 2 submitters: Uncertain significance (2). Last evaluated 2022-06-13.

Allele frequency attached by ClinVar (database versions not stated): gnomAD below 0.00001 and 0.00004; gnomAD exomes 0.00002 and 0.00004; TOPMed 0.00002; 1000 Genomes Project 30x 0.00016; ExAC 0.00027.
gnomAD v4.1: 38 of 1,450,662 alleles (0.0026%); highest among the groups gnomAD compares: South Asian, 0.049%; no homozygotes.

Submissions (2):

Labcorp Genetics (formerly Invitae), Labcorp
Classification: Uncertain significance. Last evaluated: 2022-06-13. Review status: criteria provided, single submitter. Criteria: Invitae Variant Classification Sherloc (09022015). Collection method: clinical testing. Allele origin: germline.
Comment: This sequence change replaces arginine, which is basic and polar, with cysteine, which is neutral and slightly polar, at codon 468 of the SPEG protein (p.Arg468Cys). The frequency data for this variant in the population databases is considered unreliable, as metrics indicate poor data quality at this position in the gnomAD database. This variant has not been reported in the literature in individuals affected with SPEG-related conditions. ClinVar contains an entry for this variant (Variation ID: 809166). Algorithms developed to predict the effect of missense changes on protein structure and function (SIFT, PolyPhen-2, Align-GVGD) all suggest that this variant is likely to be tolerated. In summary, the available evidence is currently insufficient to determine the role of this variant in disease. Therefore, it has been classified as a Variant of Uncertain Significance.

CeGaT Center for Human Genetics Tuebingen
Classification: Uncertain significance. Last evaluated: 2019-04-01. Review status: criteria provided, single submitter. Criteria: CeGaT Center For Human Genetics Tuebingen Variant Classification Criteria Version 2. Collection method: clinical testing. Allele origin: germline. Affected: yes. Observed: 3 variant alleles.

NM_005876.5(SPEG):c.1402C>T (p.Arg468Cys)

Gene: SPEG (striated muscle enriched protein kinase; plus strand). Cytogenetic location: 2q35.
Variant type: single nucleotide variant.
Coding change: c.1402C>T on transcript NM_005876.5 (MANE Select); coding-DNA position 1402, C replaced by T.
Protein change: p.Arg468Cys; replaces arginine 468 with cysteine.
Molecular consequence: missense variant.
Genome position (GRCh38, 1-based): chr2:219,448,560, C>T. VCF-style: chr2-219448560-C-T. GRCh37 (hg19) VCF-style: chr2-220313282-C-T.
Other names: short protein forms R468C.
Identifiers: ClinVar variation 809166 (VCV000809166.44), dbSNP rs759048169, ClinGen allele CA2125691.